The following is an entry in ClinVar:

ClinVar aggregate classification (germline): Uncertain significance (1 of 4 stars; one submission).

Conditions:
Aicardi-Goutieres syndrome 7 (AGS7). Identifiers: Orphanet 51, MedGen C3888244, MONDO:0014367, OMIM 615846.
Singleton-Merten syndrome 1 (SGMRT1). Also called: Widened medullary cavities of bone, aortic calcification, abnormal dentition, and muscular weakness; Syndrome of widened medullary cavities of the metacarpals and phalanges, aortic calcification and abnormal dentition. Identifiers: Orphanet 85191, MedGen C4225427, MONDO:0024535, OMIM 182250.

Allele frequency attached by ClinVar (database versions not stated): gnomAD exomes below 0.00001; gnomAD 0.00001; TOPMed below 0.00001.
gnomAD v4.1: 2 of 1,614,068 alleles (0.00012%); highest among the groups gnomAD compares: African/African-American, 0.0027%; no homozygotes.

Submission:

Labcorp Genetics (formerly Invitae), Labcorp
Classification: Uncertain significance for Aicardi-Goutieres syndrome 7; Singleton-Merten syndrome 1. Last evaluated: 2025-02-19. Review status: criteria provided, single submitter. Criteria: Invitae Variant Classification Sherloc (09022015). Collection method: clinical testing. Allele origin: germline.
Comment: This sequence change replaces glycine, which is neutral and non-polar, with alanine, which is neutral and non-polar, at codon 54 of the IFIH1 protein (p.Gly54Ala). This variant is not present in population databases (gnomAD no frequency). This variant has not been reported in the literature in individuals affected with IFIH1-related conditions. ClinVar contains an entry for this variant (Variation ID: 1062668). Invitae Evidence Modeling of protein sequence and biophysical properties (such as structural, functional, and spatial information, amino acid conservation, physicochemical variation, residue mobility, and thermodynamic stability) has been performed for this missense variant. However, the output from this modeling did not meet the statistical confidence thresholds required to predict the impact of this variant on IFIH1 protein function. In summary, the available evidence is currently insufficient to determine the role of this variant in disease. Therefore, it has been classified as a Variant of Uncertain Significance.

NM_022168.4(IFIH1):c.161G>C (p.Gly54Ala)

Gene: IFIH1 (interferon induced with helicase C domain 1; minus strand). Cytogenetic location: 2q24.2.
Variant type: single nucleotide variant.
Coding change: c.161G>C on transcript NM_022168.4 (MANE Select); coding-DNA position 161, G replaced by C.
Protein change: p.Gly54Ala; replaces glycine 54 with alanine.
Molecular consequence: missense variant.
Genome position (GRCh38, 1-based): chr2:162,318,147, C>G on the plus strand (G>C on the coding strand, the complement: IFIH1 is on the minus strand). VCF-style: chr2-162318147-C-G. GRCh37 (hg19) VCF-style: chr2-163174657-C-G.
Other names: short protein forms G54A.
Identifiers: ClinVar variation 1062668 (VCV001062668.9), dbSNP rs1683546841, ClinGen allele CA349014070.